The following is an entry in ClinVar:

NM_000535.7(PMS2):c.1723_1724dup (p.Asn575fs)

Gene: PMS2 (PMS1 homolog 2, mismatch repair system component; minus strand). Cytogenetic location: 7p22.1.
Variant type: Duplication.
Coding change: c.1723_1724dup on transcript NM_000535.7 (MANE Select); coding-DNA positions 1723 to 1724, 2 bases duplicated (AA; older notation c.1723_1724dupAA).
Protein change: p.Asn575fs; shifts the reading frame from asparagine 575.
Molecular consequence: frameshift variant. On other transcripts: non-coding transcript variant (1), intron variant (1).
Genome position (GRCh38, 1-based): chr7:5,987,041-5,987,042, TT duplicated on the plus strand (AA on the coding strand, the reverse complement: PMS2 is on the minus strand); duplicating any 2 consecutive bases within chr7:5,987,041-5,987,043 gives the same sequence; the c. name uses the placement nearest the transcript's 3' end. VCF-style (leftmost placement, unchanged base first): chr7-5987040-G-GTT. GRCh37 (hg19) VCF-style: chr7-6026671-G-GTT.
Other names: c.1723_1724dupAA (NM_000535.5); c.1414_1415dup, p.Asn472fs (NM_001322015.2, NM_001406875.1, NM_001406877.1 and 5 more transcripts); c.1909_1910dup, p.Asn637fs (NM_001406866.1); c.1747_1748dup, p.Asn583fs (NM_001406868.1); c.1615_1616dup, p.Asn539fs (NM_001406869.1); c.1567_1568dup, p.Asn523fs (NM_001406870.1, NM_001322006.2); c.1723_1724dup, p.Asn575fs (NM_001406871.1, NM_001406872.1, NM_001322014.2); c.1525_1526dup, p.Asn509fs (NM_001406873.1); and 14 more; short protein forms N318fs, N453fs, N463fs, N467fs, N637fs, N384fs, N509fs, N575fs.
Identifiers: ClinVar variation 5026901 (VCV005026901.1).

ClinVar aggregate classification (germline): Pathogenic (1 of 4 stars; one submission).

Conditions:
Hereditary cancer-predisposing syndrome. Also called: Neoplastic Syndromes, Hereditary; Tumor predisposition; Hereditary neoplastic syndrome; Hereditary Cancer Syndrome. Identifiers: Orphanet 140162, MedGen C0027672, MeSH D009386, MONDO:0015356.

Submission:

Ambry Genetics
Classification: Pathogenic for Hereditary cancer-predisposing syndrome. Last evaluated: 2026-06-29. Review status: criteria provided, single submitter. Criteria: Ambry Variant Classification Scheme 2023. Collection method: clinical testing. Allele origin: germline.
Comment: The c.1723_1724dupAA pathogenic mutation, located in coding exon 11 of the PMS2 gene, results from a duplication of AA at nucleotide position 1723, causing a translational frameshift with a predicted alternate stop codon (p.N575Kfs*21). This variant is considered to be rare based on population cohorts in the Genome Aggregation Database (gnomAD). This alteration is expected to result in loss of function by premature protein truncation or nonsense-mediated mRNA decay. As such, this alteration is interpreted as a disease-causing mutation.